The following is an entry in ClinVar:

NM_172362.3(KCNH1):c.2844G>C (p.Glu948Asp)

Gene: KCNH1 (potassium voltage-gated channel subfamily H member 1; minus strand). Cytogenetic location: 1q32.2.
Variant type: single nucleotide variant.
Coding change: c.2844G>C on transcript NM_172362.3 (MANE Select); coding-DNA position 2844, G replaced by C.
Protein change: p.Glu948Asp; replaces glutamic acid 948 with aspartic acid.
Molecular consequence: missense variant.
Genome position (GRCh38, 1-based): chr1:210,683,407, C>G on the plus strand (G>C on the coding strand, the complement: KCNH1 is on the minus strand). VCF-style: chr1-210683407-C-G. GRCh37 (hg19) VCF-style: chr1-210856749-C-G.
Other names: c.2763G>C, p.Glu921Asp (NM_002238.4); short protein forms E948D, E921D.
Identifiers: ClinVar variation 1495236 (VCV001495236.8), dbSNP rs775626269, ClinGen allele CA1379576.

ClinVar aggregate classification (germline): Uncertain significance (1 of 4 stars; one submission).

Allele frequency attached by ClinVar (database versions not stated): gnomAD exomes 0.00001 and 0.00002; ExAC 0.00002.
gnomAD v4.1: 11 of 1,614,162 alleles (0.00068%); highest among the groups gnomAD compares: Non-Finnish European, 0.00093%; no homozygotes.

Submission:

Labcorp Genetics (formerly Invitae), Labcorp
Classification: Uncertain significance. Last evaluated: 2021-05-20. Review status: criteria provided, single submitter. Criteria: Invitae Variant Classification Sherloc (09022015). Collection method: clinical testing. Allele origin: germline.
Comment: This variant has not been reported in the literature in individuals with KCNH1-related conditions. This variant is present in population databases (rs775626269, ExAC 0.003%). This sequence change replaces glutamic acid with aspartic acid at codon 948 of the KCNH1 protein (p.Glu948Asp). The glutamic acid residue is moderately conserved and there is a small physicochemical difference between glutamic acid and aspartic acid. Algorithms developed to predict the effect of missense changes on protein structure and function (SIFT, PolyPhen-2, Align-GVGD) all suggest that this variant is likely to be tolerated, but these predictions have not been confirmed by published functional studies and their clinical significance is uncertain. In summary, the available evidence is currently insufficient to determine the role of this variant in disease. Therefore, it has been classified as a Variant of Uncertain Significance.